The following is an entry in ClinVar:

ClinVar aggregate classification (germline): Uncertain significance (1 of 4 stars; one submission).

gnomAD v4.1: 2 of 1,613,976 alleles (0.00012%); highest among the groups gnomAD compares: Non-Finnish European, 0.00017%; no homozygotes.

Submission:

GeneDx
Classification: Uncertain significance. Last evaluated: 2023-12-05. Review status: criteria provided, single submitter. Criteria: GeneDx Variant Classification Process June 2021. Collection method: clinical testing. Allele origin: germline. Affected: yes.
Comment: Not observed at significant frequency in large population cohorts (gnomAD); In silico analysis supports that this missense variant has a deleterious effect on protein structure/function; Has not been previously published as pathogenic or benign to our knowledge

NM_015386.3(COG4):c.1118A>T (p.Tyr373Phe)

Gene: COG4 (component of oligomeric golgi complex 4; minus strand). Cytogenetic location: 16q22.1.
Variant type: single nucleotide variant.
Coding change: c.1118A>T on transcript NM_015386.3 (MANE Select); coding-DNA position 1118, A replaced by T.
Protein change: p.Tyr373Phe; replaces tyrosine 373 with phenylalanine.
Molecular consequence: missense variant. On other transcripts: non-coding transcript variant (1).
Genome position (GRCh38, 1-based): chr16:70,501,035, T>A on the plus strand (A>T on the coding strand, the complement: COG4 is on the minus strand). VCF-style: chr16-70501035-T-A. GRCh37 (hg19) VCF-style: chr16-70534938-T-A.
Other names: c.1106A>T, p.Tyr369Phe (NM_001195139.2); c.692A>T, p.Tyr231Phe (NM_001365426.1); short protein forms Y231F, Y369F, Y373F.
Identifiers: ClinVar variation 3364773 (VCV003364773.1).
Genomic context (GRCh38, chr16:70,501,035, plus strand): 5'-GAGGCCATGGAGTCTCCCACCTCAAAATCAGAGCTAATCCTCTTCTTGAGGAAGCGTAAG[T>A]ATAGCTCACTGCGGGCATTCATCAGGGTGACCTCAGTCAGGATGGGGTCCAGTTCTCTGA-3'
Protein context (NP_056201.2, residues 363-383): VTLMNARSEL[Tyr373Phe]LRFLKKRISS